The following is an entry in ClinVar:

NM_002693.3(POLG):c.3631G>A (p.Gly1211Arg)

Gene: POLG (DNA polymerase gamma, catalytic subunit; minus strand). Cytogenetic location: 15q26.1.
Variant type: single nucleotide variant.
Coding change: c.3631G>A on transcript NM_002693.3 (MANE Select); coding-DNA position 3631, G replaced by A.
Protein change: p.Gly1211Arg; replaces glycine 1211 with arginine.
Molecular consequence: missense variant.
Genome position (GRCh38, 1-based): chr15:89,317,388, C>T on the plus strand (G>A on the coding strand, the complement: POLG is on the minus strand). VCF-style: chr15-89317388-C-T. GRCh37 (hg19) VCF-style: chr15-89860619-C-T.
Other names: c.3631G>A, p.Gly1211Arg (NM_001126131.2); short protein forms G1211R.
Identifiers: ClinVar variation 655490 (VCV000655490.8), dbSNP rs768181189, ClinGen allele CA7724080.

ClinVar aggregate classification (germline): Uncertain significance. Review status: criteria provided, multiple submitters, no conflicts (2 of 4 stars). 2 submissions from 2 submitters: Uncertain significance (2). Last evaluated 2024-11-28.

Conditions:
Progressive sclerosing poliodystrophy (MTDPS4A). Also called: ALPERS PROGRESSIVE INFANTILE POLIODYSTROPHY; NEURONAL DEGENERATION OF CHILDHOOD WITH LIVER DISEASE, PROGRESSIVE; Alpers Syndrome; Mitochondrial DNA depletion syndrome 4A (Alpers type); Alpers-Huttenlocher Syndrome; ALPERS DIFFUSE DEGENERATION OF CEREBRAL GRAY MATTER WITH HEPATIC CIRRHOSIS. Identifiers: Orphanet 726, MedGen C0205710, MONDO:0008758, OMIM 203700.

Allele frequency attached by ClinVar (database versions not stated): TOPMed below 0.00001; ExAC 0.00001; gnomAD 0.00001; gnomAD exomes 0.00001.
gnomAD v4.1: 20 of 1,613,910 alleles (0.0012%); highest among the groups gnomAD compares: Admixed American, 0.0017%; no homozygotes.

Submissions (2):

Labcorp Genetics (formerly Invitae), Labcorp
Classification: Uncertain significance for Progressive sclerosing poliodystrophy. Last evaluated: 2024-11-28. Review status: criteria provided, single submitter. Criteria: Invitae Variant Classification Sherloc (09022015). Collection method: clinical testing. Allele origin: germline.
Comment: This sequence change replaces glycine, which is neutral and non-polar, with arginine, which is basic and polar, at codon 1211 of the POLG protein (p.Gly1211Arg). This variant is present in population databases (rs768181189, gnomAD 0.002%). This variant has not been reported in the literature in individuals affected with POLG-related conditions. ClinVar contains an entry for this variant (Variation ID: 655490). An algorithm developed to predict the effect of missense changes on protein structure and function outputs the following: PolyPhen-2: "Benign". The arginine amino acid residue is found in multiple mammalian species, which suggests that this missense change does not adversely affect protein function. In summary, the available evidence is currently insufficient to determine the role of this variant in disease. Therefore, it has been classified as a Variant of Uncertain Significance.

Blueprint Genetics
Classification: Uncertain significance. Last evaluated: 2024-08-06. Review status: criteria provided, single submitter. Criteria: ACMG Guidelines, 2015. Collection method: clinical testing. Allele origin: germline.